The following is an entry in ClinVar:

ClinVar aggregate classification (germline): Likely benign (1 of 4 stars; one submission).

gnomAD v4.1: 29 of 1,614,042 alleles (0.0018%); highest among the groups gnomAD compares: Non-Finnish European, 0.0025%; no homozygotes.

Submission:

CeGaT Center for Human Genetics Tuebingen
Classification: Likely benign. Last evaluated: 2025-03-01. Review status: criteria provided, single submitter. Criteria: CeGaT Center For Human Genetics Tuebingen Variant Classification Criteria Version 2. Collection method: clinical testing. Allele origin: germline. Affected: yes. Observed: 1 variant allele.
Comment: TRIO: BP4, BP7

NM_007118.4(TRIO):c.9054A>T (p.Gly3018=)

Gene: TRIO (trio Rho guanine nucleotide exchange factor; plus strand). Cytogenetic location: 5p15.2.
Variant type: single nucleotide variant.
Coding change: c.9054A>T on transcript NM_007118.4 (MANE Select); coding-DNA position 9054, A replaced by T.
Protein change: p.Gly3018=; no amino-acid change (glycine 3018 retained).
Molecular consequence: synonymous variant. On other transcripts: non-coding transcript variant (1).
Genome position (GRCh38, 1-based): chr5:14,508,182, A>T. VCF-style: chr5-14508182-A-T. GRCh37 (hg19) VCF-style: chr5-14508291-A-T.
Identifiers: ClinVar variation 3778206 (VCV003778206.7).